The following is an entry in ClinVar:

ClinVar aggregate classification (germline): Benign (1 of 4 stars; one submission).

Allele frequency attached by ClinVar (database versions not stated): 1000 Genomes Project 0.53514; 1000 Genomes Project 30x 0.53810; gnomAD 0.57162 and 0.58119; TOPMed 0.57623.
gnomAD v4.1: 86,851 of 152,100 alleles (57%); highest among the groups gnomAD compares: African/African-American, 65%; 25,050 homozygotes.

Submission:

GeneDx
Classification: Benign. Last evaluated: 2018-06-14. Review status: criteria provided, single submitter. Criteria: GeneDx Variant Classification (06012015). Collection method: clinical testing. Allele origin: germline. Affected: yes.
Comment: This variant is considered likely benign or benign based on one or more of the following criteria: it is a conservative change, it occurs at a poorly conserved position in the protein, it is predicted to be benign by multiple in silico algorithms, and/or has population frequency not consistent with disease.

NM_000260.4(MYO7A):c.1935+191A>T

Gene: MYO7A (myosin VIIA; plus strand). Cytogenetic location: 11q13.5.
Variant type: single nucleotide variant.
Coding change: c.1935+191A>T on transcript NM_000260.4 (MANE Select); 191 bases into the intron after coding-DNA position 1935, A replaced by T.
Molecular consequence: intron variant.
Genome position (GRCh38, 1-based): chr11:77,173,076, A>T. VCF-style: chr11-77173076-A-T. GRCh37 (hg19) VCF-style: chr11-76884122-A-T.
Other names: c.1902+191A>T (NM_001369365.1); c.1935+191A>T (NM_001127180.2).
Identifiers: ClinVar variation 678823 (VCV000678823.1), dbSNP rs948968, ClinGen allele CA13422784.